The following is an entry in ClinVar:

ClinVar aggregate classification (germline): Conflicting classifications of pathogenicity. Review status: criteria provided, conflicting classifications (1 of 4 stars). 2 submissions from 2 submitters: Uncertain significance (1); Likely benign (1). Last evaluated 2023-03-23.

Conditions:
Hereditary cancer-predisposing syndrome. Also called: Hereditary Cancer Syndrome; Neoplastic Syndromes, Hereditary; Tumor predisposition; Hereditary neoplastic syndrome. Identifiers: Orphanet 140162, MedGen C0027672, MeSH D009386, MONDO:0015356.

Submissions (2):

University of Washington Department of Laboratory Medicine, University of Washington
Classification: Likely benign for Hereditary cancer-predisposing syndrome. Last evaluated: 2023-03-23. Review status: criteria provided, single submitter. Criteria: Dines et al. (Genet Med. 2020). Collection method: curation. Allele origin: germline.
Comment: Missense variant in a coldspot region where missense variants are very unlikely to be pathogenic (PMID:31911673).

BRCA1 coldspot (exon 11 using historical exon numbering). Reclassification based on statistical prior probability

Ambry Genetics
Classification: Uncertain significance for Hereditary cancer-predisposing syndrome. Last evaluated: 2017-04-12. Review status: criteria provided, single submitter. Criteria: Ambry Variant Classification Scheme 2023. Collection method: clinical testing. Allele origin: germline.
Comment: The p.D1131V variant (also known as c.3392A>T), located in coding exon 9 of the BRCA1 gene, results from an A to T substitution at nucleotide position 3392. The aspartic acid at codon 1131 is replaced by valine, an amino acid with highly dissimilar properties. This amino acid position is not well conserved in available vertebrate species. In addition, this alteration is predicted to be deleterious by in silico analysis. Since supporting evidence is limited at this time, the clinical significance of this alteration remains unclear.

NM_007294.4(BRCA1):c.3392A>T (p.Asp1131Val)

Genes: BRCA1 (BRCA1 DNA repair associated; minus strand), LOC126862571 (BRD4-independent group 4 enhancer GRCh37_chr17:41243136-41244335; plus strand). Cytogenetic location: 17q21.31.
Variant type: single nucleotide variant.
Coding change: c.3392A>T on transcript NM_007294.4 (MANE Select); coding-DNA position 3392, A replaced by T.
Protein change: p.Asp1131Val; replaces aspartic acid 1131 with valine.
Molecular consequence: missense variant. On other transcripts: intron variant (135).
Genome position (GRCh38, 1-based): chr17:43,092,139, T>A on the plus strand (A>T on the coding strand, the complement: BRCA1 is on the minus strand). VCF-style: chr17-43092139-T-A. GRCh37 (hg19) VCF-style: chr17-41244156-T-A.
Other names: c.3008A>T, p.Asp1003Val (NM_001407962.1); c.3011A>T, p.Asp1004Val (NM_001407963.1, NM_001407959.1, NM_001407960.1); c.3248A>T, p.Asp1083Val (NM_001407964.1, NM_001407740.1, NM_001407741.1 and 20 more transcripts); c.2888A>T, p.Asp963Val (NM_001407965.1); c.2504A>T, p.Asp835Val (NM_001407966.1, NM_001407967.1); c.788A>T, p.Asp263Val (NM_001407968.1, NM_001407969.1); c.3251A>T, p.Asp1084Val (NM_007297.4, NM_001407692.1, NM_001407694.1 and 29 more transcripts); c.3392A>T, p.Asp1131Val (NM_007300.4, NM_001407581.1, NM_001407582.1 and 30 more transcripts); and 41 more; short protein forms D1131V, D1084V, D1064V, D1130V, D963V, D1060V, D1061V, D1128V.
Identifiers: ClinVar variation 481480 (VCV000481480.8), dbSNP rs1555587813, ClinGen allele CA10595192.
Genomic context (GRCh38, chr17:43,092,139, plus strand): 5'-TCAGGTGTCTCAGAACAAACCTGAGATGCATGACTACTTCCCATAGGCTGTTCTAAGTTA[T>A]CTGAAATCAGATATGGAGAGAAATCTGTATTAACAGTCTGAACTACTTCTTCATATTCTT-3'
Protein context (NP_009225.1, residues 1121-1141): NTDFSPYLIS[Asp1131Val]NLEQPMGSSH